The following is an entry in ClinVar:

NM_004336.5(BUB1):c.128A>T (p.Glu43Val)

Gene: BUB1 (BUB1 mitotic checkpoint serine/threonine kinase; minus strand). Cytogenetic location: 2q13.
Variant type: single nucleotide variant.
Coding change: c.128A>T on transcript NM_004336.5 (MANE Select); coding-DNA position 128, A replaced by T.
Protein change: p.Glu43Val; replaces glutamic acid 43 with valine.
Molecular consequence: missense variant.
Genome position (GRCh38, 1-based): chr2:110,674,183, T>A on the plus strand (A>T on the coding strand, the complement: BUB1 is on the minus strand). VCF-style: chr2-110674183-T-A. GRCh37 (hg19) VCF-style: chr2-111431760-T-A.
Other names: c.68A>T, p.Glu23Val (NM_001278616.2); c.128A>T, p.Glu43Val (NM_001278617.2); short protein forms E23V, E43V.
Identifiers: ClinVar variation 1769053 (VCV001769053.2), dbSNP rs1191866289, ClinGen allele CA348221437.

ClinVar aggregate classification (germline): Uncertain significance (1 of 4 stars; one submission).

Allele frequency attached by ClinVar (database versions not stated): gnomAD 0.00001.
gnomAD v4.1: 2 of 1,596,964 alleles (0.00013%); highest among the groups gnomAD compares: Middle Eastern, 0.017%; no homozygotes.

Submission:

Ambry Genetics
Classification: Uncertain significance. Last evaluated: 2022-07-11. Review status: criteria provided, single submitter. Criteria: Ambry Variant Classification Scheme 2023. Collection method: clinical testing. Allele origin: germline.
Comment: The p.E43V variant (also known as c.128A>T), located in coding exon 3 of the BUB1 gene, results from an A to T substitution at nucleotide position 128. The glutamic acid at codon 43 is replaced by valine, an amino acid with dissimilar properties. This amino acid position is conserved. In addition, this alteration is predicted to be tolerated by in silico analysis. Since supporting evidence is limited at this time, the clinical significance of this alteration remains unclear.